The following is an entry in ClinVar:

ClinVar aggregate classification (germline): Uncertain significance (1 of 4 stars; one submission).

Submission:

Ambry Genetics
Classification: Uncertain significance. Last evaluated: 2023-03-19. Review status: criteria provided, single submitter. Criteria: Ambry Variant Classification Scheme 2023. Collection method: clinical testing. Allele origin: germline.
Comment: The p.T850K variant (also known as c.2549C>A), located in coding exon 13 of the PALLD gene, results from a C to A substitution at nucleotide position 2549. The threonine at codon 850 is replaced by lysine, an amino acid with similar properties. This amino acid position is conserved. In addition, this alteration is predicted to be deleterious by in silico analysis. Since supporting evidence is limited at this time, the clinical significance of this alteration remains unclear.

NM_001166108.2(PALLD):c.2600C>A (p.Thr867Lys)

Genes: CBR4 (carbonyl reductase 4; minus strand), PALLD (palladin, cytoskeletal associated protein; plus strand). Cytogenetic location: 4q32.3.
Variant type: single nucleotide variant.
Coding change: c.2600C>A on transcript NM_001166108.2 (MANE Select); coding-DNA position 2600, C replaced by A.
Protein change: p.Thr867Lys; replaces threonine 867 with lysine.
Molecular consequence: missense variant.
Genome position (GRCh38, 1-based): chr4:168,903,884, C>A. VCF-style: chr4-168903884-C-A. GRCh37 (hg19) VCF-style: chr4-169825035-C-A.
Other names: c.1403C>A, p.Thr468Lys (NM_001166109.2); c.1088C>A, p.Thr363Lys (NM_001166110.2); c.428C>A, p.Thr143Lys (NM_001367567.1, NM_001367569.1); c.479C>A, p.Thr160Lys (NM_001367568.1, NM_001367570.1); c.2549C>A, p.Thr850Lys (NM_016081.4); short protein forms T468K, T850K, T143K, T363K, T160K, T867K.
Identifiers: ClinVar variation 2563381 (VCV002563381.2), dbSNP rs1465496279, ClinGen allele CA358799512.